The following is an entry in ClinVar:

ClinVar aggregate classification (germline): Uncertain significance. Review status: criteria provided, multiple submitters, no conflicts (2 of 4 stars). 2 submissions from 2 submitters: Uncertain significance (2). Last evaluated 2026-01-28.

Conditions:
Inborn genetic diseases. Identifiers: MedGen C0950123, MeSH D030342.

Allele frequency attached by ClinVar (database versions not stated): ExAC 0.00001.
gnomAD v4.1: 4 of 1,613,756 alleles (0.00025%); highest among the groups gnomAD compares: African/African-American, 0.0053%; no homozygotes.

Submissions (2):

Labcorp Genetics (formerly Invitae), Labcorp
Classification: Uncertain significance. Last evaluated: 2026-01-28. Review status: criteria provided, single submitter. Criteria: Invitae Variant Classification Sherloc (09022015). Collection method: clinical testing. Allele origin: germline.
Comment: This sequence change replaces asparagine, which is neutral and polar, with histidine, which is basic and polar, at codon 1935 of the PCLO protein (p.Asn1935His). This variant is present in population databases (rs751042524, gnomAD 0.01%). This variant has not been reported in the literature in individuals affected with PCLO-related conditions. ClinVar contains an entry for this variant (Variation ID: 1487269). Experimental studies and prediction algorithms are not available or were not evaluated, and the functional significance of this variant is currently unknown. In summary, the available evidence is currently insufficient to determine the role of this variant in disease. Therefore, it has been classified as a Variant of Uncertain Significance.

Ambry Genetics
Classification: Uncertain significance for Inborn genetic diseases. Last evaluated: 2025-04-05. Review status: criteria provided, single submitter. Criteria: Ambry Variant Classification Scheme 2023. Collection method: clinical testing. Allele origin: germline.

NM_033026.6(PCLO):c.5803A>C (p.Asn1935His)

Gene: PCLO (piccolo presynaptic cytomatrix protein; minus strand). Cytogenetic location: 7q21.11.
Variant type: single nucleotide variant.
Coding change: c.5803A>C on transcript NM_033026.6 (MANE Select); coding-DNA position 5803, A replaced by C.
Protein change: p.Asn1935His; replaces asparagine 1935 with histidine.
Molecular consequence: missense variant.
Genome position (GRCh38, 1-based): chr7:82,955,150, T>G on the plus strand (A>C on the coding strand, the complement: PCLO is on the minus strand). VCF-style: chr7-82955150-T-G. GRCh37 (hg19) VCF-style: chr7-82584466-T-G.
Other names: c.5803A>C (NM_033026.5); c.5803A>C, p.Asn1935His (NM_014510.3); short protein forms N1935H.
Identifiers: ClinVar variation 1487269 (VCV001487269.9), dbSNP rs751042524, ClinGen allele CA4320578.